The following is an entry in ClinVar:

ClinVar aggregate classification (germline): Uncertain significance (1 of 4 stars; one submission).

Submission:

Ambry Genetics
Classification: Uncertain significance. Last evaluated: 2021-07-18. Review status: criteria provided, single submitter. Criteria: Ambry Variant Classification Scheme 2023. Collection method: clinical testing. Allele origin: germline.
Comment: The p.E2430A variant (also known as c.7289A>C), located in coding exon 55 of the PRKDC gene, results from an A to C substitution at nucleotide position 7289. The glutamic acid at codon 2430 is replaced by alanine, an amino acid with dissimilar properties. This amino acid position is conserved. In addition, this alteration is predicted to be tolerated by in silico analysis. Since supporting evidence is limited at this time, the clinical significance of this alteration remains unclear.

NM_006904.7(PRKDC):c.7289A>C (p.Glu2430Ala)

Gene: PRKDC (protein kinase, DNA-activated, catalytic subunit; minus strand). Cytogenetic location: 8q11.21.
Variant type: single nucleotide variant.
Coding change: c.7289A>C on transcript NM_006904.7 (MANE Select); coding-DNA position 7289, A replaced by C.
Protein change: p.Glu2430Ala; replaces glutamic acid 2430 with alanine.
Molecular consequence: missense variant.
Genome position (GRCh38, 1-based): chr8:47,840,181, T>G on the plus strand (A>C on the coding strand, the complement: PRKDC is on the minus strand). VCF-style: chr8-47840181-T-G. GRCh37 (hg19) VCF-style: chr8-48752742-T-G.
Other names: c.7289A>C, p.Glu2430Ala (NM_001081640.2); short protein forms E2430A.
Identifiers: ClinVar variation 1758087 (VCV001758087.2), dbSNP rs2551867947, ClinGen allele CA371155414.